The following continues an entry in ClinVar:

NM_007294.4(BRCA1):c.4096+1G>A

ClinVar aggregate classification (germline): Uncertain significance. Uncertain significance (1).

Submissions 20 to 28 of 28:

Consortium of Investigators of Modifiers of BRCA1/2 (CIMBA), c/o University of Cambridge
Classification: Pathogenic for Breast-ovarian cancer, familial, susceptibility to, 1. Last evaluated: 2015-10-02. Review status: criteria provided, single submitter. Criteria: CIMBA Mutation Classification guidelines May 2016. Collection method: clinical testing. Allele origin: germline. Not counted in ClinVar's aggregate classification.

Department of Medical and Surgical Sciences, University of Bologna
Classification: Uncertain significance for Breast-ovarian cancer, familial, susceptibility to, 1. Last evaluated: 2023-09-01. Review status: no assertion criteria provided. Collection method: clinical testing. Allele origin: germline. Affected: yes. Not counted in ClinVar's aggregate classification.
Comment: PVS1_RNA(Moderate)+BP5(Moderate) according to ACMG/AMP classification guidelines specified for BRCA1 & BRCA2 (Classification Criteria V1.0.0 2023-09-08) (PMID: 38160042)

Medical Genetics Laboratory, Umraniye Training and Research Hospital, University of Health Sciences
Classification: Uncertain significance for Breast carcinoma. Last evaluated: 2021-08-08. Review status: no assertion criteria provided. Collection method: clinical testing. Allele origin: germline. Affected: yes. Not counted in ClinVar's aggregate classification.
Comment: Invasive Breast Carcinoma Estrogen Receptor: Positive Progesterone Receptor: Negative Her2 Receptor: Negative

BRCAlab, Lund University
Classification: Uncertain significance for Breast-ovarian cancer, familial, susceptibility to, 1. Last evaluated: 2020-03-02. Review status: no assertion criteria provided. Collection method: clinical testing. Allele origin: germline. Affected: yes. Not counted in ClinVar's aggregate classification.

Counsyl
Classification: Pathogenic for Breast-ovarian cancer, familial, susceptibility to, 1. Last evaluated: 2018-02-28. Review status: no assertion criteria provided. Collection method: clinical testing. Allele origin: unknown. Not counted in ClinVar's aggregate classification.

Foulkes Cancer Genetics LDI, Lady Davis Institute for Medical Research
Classification: Pathogenic for Breast and/or ovarian cancer. Last evaluated: 2014-04-23. Review status: no assertion criteria provided. Collection method: clinical testing. Allele origin: germline. Study: The Canadian Open Genetics Repository (COGR). Not counted in ClinVar's aggregate classification.

Sharing Clinical Reports Project (SCRP)
Classification: Pathogenic for Breast-ovarian cancer, familial 1. Last evaluated: 2012-02-13. Review status: no assertion criteria provided. Collection method: clinical testing. Allele origin: germline. Not counted in ClinVar's aggregate classification.

Breast Cancer Information Core (BIC) (BRCA1)
Classification: Pathogenic for Breast-ovarian cancer, familial 1. Last evaluated: 2002-05-29. Review status: no assertion criteria provided. Collection method: clinical testing. Allele origin: germline. Affected: yes. Observed: 5 variant alleles. Not counted in ClinVar's aggregate classification.

Department of Pathology and Laboratory Medicine, Sinai Health System
Classification: Pathogenic for Malignant tumor of breast. Review status: no assertion criteria provided. Collection method: clinical testing. Allele origin: unknown. Affected: yes. Observed: 2 variant alleles. Study: The Canadian Open Genetics Repository (COGR). Not counted in ClinVar's aggregate classification.
Comment: The c.4096+1G>A variant was identified in an individual with ovarian cancer from a hereditary breast and ovarian cancer family (Bonatti 2006). The variant was also identified in dbSNP (ID: rs80358178) â€šÃ„ÃºWith pathogenic alleleâ€šÃ„Ã¹, HGMD, LOVD, UMD (5X as a causal variant), and the BIC database (5X with clinical importance). The c.4096+1G>A variant is predicted to cause abnormal splicing because the nucleotide substitution occurs in the invariant region of the 5' splice consensus sequence. Three in silico or computational prediction software programs (MaxEntScan, NNSPLICE, HumanSpliceFinder) predict a greater than 10% difference in splicing. In addition, RNA analysis of a patient with the variant determined that the variant resulted in a skipping of exon 11, with reduced expression of full-length transcript as compared to normal control DNA (Bonatti 2006). In summary, based on the above information, this variant meets our laboratoryâ€šÃ„Ã´s criteria to be classified as pathogenic.

Literature cited by the submitters: PubMed 17011978 (cited by 6 submitters); PubMed 37958491 (cited by 3 submitters); PubMed 16199547 (cited by Labcorp Genetics (formerly Invitae), Labcorp); PubMed 20104584 (cited by Labcorp Genetics (formerly Invitae), Labcorp); PubMed 21156238 (cited by 4 submitters); PubMed 27328445 (cited by 5 submitters); PubMed 29116469 (cited by 5 submitters); PubMed 29433453 (cited by 4 submitters); PubMed 29446198 (cited by 4 submitters); PubMed 32885271 (cited by 4 submitters); PubMed 24569164 (cited by 4 submitters); PubMed 32398771 (cited by Labcorp Genetics (formerly Invitae), Labcorp); PubMed 11359908 (cited by 3 submitters); PubMed 16943438 (cited by 3 submitters); PubMed 26681312 (cited by 3 submitters); PubMed 31159747 (cited by 4 submitters); PubMed 32438681 (cited by 3 submitters); PubMed 8972225 (cited by 3 submitters); PubMed 25525159 (cited by Quest Diagnostics Nichols Institute San Juan Capistrano); PubMed 32895300 (cited by Quest Diagnostics Nichols Institute San Juan Capistrano and Color Diagnostics, LLC DBA Color Health); PubMed 28135145 (cited by Quest Diagnostics Nichols Institute San Juan Capistrano); PubMed 24065114 (cited by 3 submitters); PubMed 16267036 (cited by 3 submitters); PubMed 30675319 (cited by 3 submitters); PubMed 31341520 (cited by Quest Diagnostics Nichols Institute San Juan Capistrano and Women's Health and Genetics/Laboratory Corporation of America, LabCorp); PubMed 27997688 (cited by Quest Diagnostics Nichols Institute San Juan Capistrano); PubMed 27197267 (cited by Quest Diagnostics Nichols Institute San Juan Capistrano); PubMed 11162473 (cited by Quest Diagnostics Nichols Institute San Juan Capistrano); PubMed 12890739 (cited by Quest Diagnostics Nichols Institute San Juan Capistrano); PubMed 22615956 (cited by Quest Diagnostics Nichols Institute San Juan Capistrano); PubMed 11431698 (cited by Quest Diagnostics Nichols Institute San Juan Capistrano and Color Diagnostics, LLC DBA Color Health); PubMed 26295337 (cited by Quest Diagnostics Nichols Institute San Juan Capistrano); PubMed 36331686 (cited by Quest Diagnostics Nichols Institute San Juan Capistrano); PubMed 33801055 (cited by Quest Diagnostics Nichols Institute San Juan Capistrano and Color Diagnostics, LLC DBA Color Health); PubMed 35534704 (cited by Quest Diagnostics Nichols Institute San Juan Capistrano); PubMed 24131973 (cited by Color Diagnostics, LLC DBA Color Health); PubMed 25186627 (cited by Color Diagnostics, LLC DBA Color Health and Women's Health and Genetics/Laboratory Corporation of America, LabCorp); PubMed 30728895 (cited by Color Diagnostics, LLC DBA Color Health and Women's Health and Genetics/Laboratory Corporation of America, LabCorp); PubMed 31209999 (cited by Color Diagnostics, LLC DBA Color Health); PubMed 31853058 (cited by Color Diagnostics, LLC DBA Color Health).